The following is an entry in ClinVar:

ClinVar aggregate classification (germline): Uncertain significance. Review status: criteria provided, multiple submitters, no conflicts (2 of 4 stars). 7 submissions from 7 submitters: Uncertain significance (7). Last evaluated 2025-12-21.

Conditions:
Breast-ovarian cancer, familial, susceptibility to, 2 (BROVCA2). Also called: BRCA2 Hereditary Breast and Ovarian Cancer. Identifiers: Orphanet 145, MedGen C2675520, MONDO:0012933, OMIM 612555. Disease mechanism: loss of function.
Hereditary cancer-predisposing syndrome. Also called: Hereditary Cancer Syndrome; Hereditary neoplastic syndrome; Tumor predisposition; Neoplastic Syndromes, Hereditary. Identifiers: Orphanet 140162, MedGen C0027672, MeSH D009386, MONDO:0015356.
Hereditary breast ovarian cancer syndrome. Also called: Hereditary breast and ovarian cancer syndrome; BRCA1- and BRCA2-Associated Hereditary Breast and Ovarian Cancer; Hereditary breast and ovarian cancer syndrome (HBOC); Hereditary breast and/or ovarian cancer syndrome; Hereditary breast and ovarian cancer; Breast and ovarian cancer. Identifiers: Orphanet 145, MedGen C0677776, MeSH D061325, MONDO:0003582. Disease mechanism: loss of function.
Familial cancer of breast. Also called: hereditary breast carcinoma; BREAST CANCER, FAMILIAL; Hereditary breast cancer. Identifiers: Orphanet 227535, MedGen C0346153, MONDO:0016419, OMIM 114480. Disease mechanism: loss of function.

Submissions (7):

Labcorp Genetics (formerly Invitae), Labcorp
Classification: Uncertain significance for Hereditary breast ovarian cancer syndrome. Last evaluated: 2025-12-21. Review status: criteria provided, single submitter. Criteria: Invitae Variant Classification Sherloc (09022015). Collection method: clinical testing. Allele origin: germline.
Comment: This sequence change replaces threonine, which is neutral and polar, with proline, which is neutral and non-polar, at codon 2412 of the BRCA2 protein (p.Thr2412Pro). This variant is not present in population databases (gnomAD no frequency). This variant has not been reported in the literature in individuals affected with BRCA2-related conditions. ClinVar contains an entry for this variant (Variation ID: 441464). Invitae Evidence Modeling of protein sequence and biophysical properties (such as structural, functional, and spatial information, amino acid conservation, physicochemical variation, residue mobility, and thermodynamic stability) indicates that this missense variant is not expected to disrupt BRCA2 protein function with a negative predictive value of 95%. In summary, the available evidence is currently insufficient to determine the role of this variant in disease. Therefore, it has been classified as a Variant of Uncertain Significance.

Ambry Genetics
Classification: Uncertain significance for Hereditary cancer-predisposing syndrome. Last evaluated: 2025-10-02. Review status: criteria provided, single submitter. Criteria: Ambry Variant Classification Scheme 2023. Collection method: clinical testing. Allele origin: germline.
Comment: The p.T2412P variant (also known as c.7234A>C), located in coding exon 13 of the BRCA2 gene, results from an A to C substitution at nucleotide position 7234. The threonine at codon 2412 is replaced by proline, an amino acid with highly similar properties. This amino acid position is well conserved in available vertebrate species. In addition, the in silico prediction for this alteration is inconclusive. Based on the available evidence, the clinical significance of this variant remains unclear.

All of Us Research Program, National Institutes of Health
Classification: Uncertain significance for Breast-ovarian cancer, familial, susceptibility to, 2. Last evaluated: 2023-12-13. Review status: criteria provided, single submitter. Criteria: ACMG Guidelines, 2015. Collection method: clinical testing. Allele origin: germline. Inheritance: Autosomal dominant inheritance. Observed: 1 variant allele, 1 heterozygote.
Comment: This missense variant replaces threonine with proline at codon 2412 of the BRCA2 protein. Computational prediction is inconclusive regarding the impact of this variant on protein structure and function (internally defined REVEL score threshold 0.5 < inconclusive < 0.7, PMID: 27666373). To our knowledge, functional studies have not been reported for this variant. This variant has not been reported in individuals affected with BRCA2-related disorders in the literature. This variant has not been identified in the general population by the Genome Aggregation Database (gnomAD). The available evidence is insufficient to determine the role of this variant in disease conclusively. Therefore, this variant is classified as a Variant of Uncertain Significance.

This study involves interpretation of variants in research participants for the purpose of population health screening. Participant phenotype was not available at the time of variant classification. Additional details can be found in publication PMID: 35346344, PMCID: PMC8962531

Baylor Genetics
Classification: Uncertain significance for Familial cancer of breast. Last evaluated: 2023-08-30. Review status: criteria provided, single submitter. Criteria: ACMG Guidelines, 2015. Collection method: clinical testing. Allele origin: unknown.

Color Diagnostics, LLC DBA Color Health
Classification: Uncertain significance for Hereditary cancer-predisposing syndrome. Last evaluated: 2023-04-24. Review status: criteria provided, single submitter. Criteria: ACMG Guidelines, 2015. Collection method: clinical testing. Allele origin: germline.
Comment: This missense variant replaces threonine with proline at codon 2412 of the BRCA2 protein. Computational prediction is inconclusive regarding the impact of this variant on protein structure and function (internally defined REVEL score threshold 0.5 < inconclusive < 0.7, PMID: 27666373). To our knowledge, functional studies have not been reported for this variant. This variant has not been reported in individuals affected with BRCA2-related disorders in the literature. This variant has not been identified in the general population by the Genome Aggregation Database (gnomAD). The available evidence is insufficient to determine the role of this variant in disease conclusively. Therefore, this variant is classified as a Variant of Uncertain Significance.

National Health Laboratory Service, Universitas Academic Hospital and University of the Free State
Classification: Uncertain significance for Hereditary breast ovarian cancer syndrome. Last evaluated: 2021-11-16. Review status: criteria provided, single submitter. Criteria: ACMG Guidelines, 2015. Collection method: clinical testing. Allele origin: germline. Affected: yes. Observed: 1 variant allele.

Mendelics
Classification: Uncertain significance for Breast-ovarian cancer, familial, susceptibility to, 2. Last evaluated: 2019-05-28. Review status: criteria provided, single submitter. Criteria: Mendelics Assertion Criteria 2017. Collection method: clinical testing. Allele origin: unknown.

Literature cited by the submitters: DOI 10.3389/fgene.2022.834265 (cited by National Health Laboratory Service, Universitas Academic Hospital and University of the Free State).

NM_000059.4(BRCA2):c.7234A>C (p.Thr2412Pro)

Gene: BRCA2 (BRCA2 DNA repair associated; plus strand). Cytogenetic location: 13q13.1.
Variant type: single nucleotide variant.
Coding change: c.7234A>C on transcript NM_000059.4 (MANE Select); coding-DNA position 7234, A replaced by C.
Protein change: p.Thr2412Pro; replaces threonine 2412 with proline.
Molecular consequence: missense variant.
Genome position (GRCh38, 1-based): chr13:32,355,087, A>C. VCF-style: chr13-32355087-A-C. GRCh37 (hg19) VCF-style: chr13-32929224-A-C.
Other names: NP_000050.3:p.Thr2412Pro; short protein forms T2412P.
Identifiers: ClinVar variation 441464 (VCV000441464.37), dbSNP rs876659118, ClinGen allele CA387740299.